The following is an entry in ClinVar:

ClinVar aggregate classification (germline): Pathogenic (1 of 4 stars; one submission).

Conditions:
Neurofibromatosis, type 1 (NF1). Also called: NEUROFIBROMATOSIS, TYPE I, SOMATIC; Neurofibromatosis, type I; Peripheral type neurofibromatosis; VON RECKLINGHAUSEN DISEASE. Identifiers: Orphanet 636, MedGen C0027831, MONDO:0018975, OMIM 162200. Disease mechanism: loss of function.

Submission:

Labcorp Genetics (formerly Invitae), Labcorp
Classification: Pathogenic for Neurofibromatosis, type 1. Last evaluated: 2022-08-19. Review status: criteria provided, single submitter. Criteria: Invitae Variant Classification Sherloc (09022015). Collection method: clinical testing. Allele origin: germline.
Comment: This variant is not present in population databases (gnomAD no frequency). This sequence change creates a premature translational stop signal (p.Asn1394Leufs*12) in the NF1 gene. It is expected to result in an absent or disrupted protein product. Loss-of-function variants in NF1 are known to be pathogenic (PMID: 10712197, 23913538). This variant has not been reported in the literature in individuals affected with NF1-related conditions. For these reasons, this variant has been classified as Pathogenic.

Literature cited by the submitters: PubMed 10712197; PubMed 23913538.

NM_001042492.3(NF1):c.4243_4246del (p.Asn1415fs)

Gene: NF1 (neurofibromin 1; plus strand). Cytogenetic location: 17q11.2.
Variant type: Deletion.
Coding change: c.4243_4246del on transcript NM_001042492.3 (MANE Select); coding-DNA positions 4243 to 4246, 4 bases deleted (AATC; older notation c.4243_4246delAATC).
Protein change: p.Asn1415fs; shifts the reading frame from asparagine 1415.
Molecular consequence: frameshift variant.
Genome position (GRCh38, 1-based): chr17:31,258,413-31,258,416, AATC deleted; deleting any 4 consecutive bases within chr17:31,258,410-31,258,416 gives the same sequence; the c. name uses the placement nearest the transcript's 3' end. VCF-style (leftmost placement, unchanged base first): chr17-31258409-TATCA-T. GRCh37 (hg19) VCF-style: chr17-29585427-TATCA-T.
Other names: c.4180_4183delAATC, p.Asn1394Leufs (NM_000267.4); short protein forms N1415fs, N1394fs.
Identifiers: ClinVar variation 2024822 (VCV002024822.4), dbSNP rs2508408599, ClinGen allele CA2580092884.
Genomic context (GRCh38, chr17:31,258,409, plus strand): 5'-TAGCCAGCGTTTCCCTCAGAACAGCATCGGTGCAGTAGGAAGTGCCATGTTCCTCAGATT[TATCA>T]ATCCTGCCATTGTCTCACCGTATGAAGCAGGGATTTTAGATAAAAAGCCACCACCTAGAA-3'